The following is an entry in ClinVar:

NM_001904.4(CTNNB1):c.1657A>G (p.Met553Val)

Genes: CTNNB1 (catenin beta 1; plus strand), LOC126806659 (BRD4-independent group 4 enhancer GRCh37_chr3:41274918-41276117; plus strand). Cytogenetic location: 3p22.1.
Variant type: single nucleotide variant.
Coding change: c.1657A>G on transcript NM_001904.4 (MANE Select); coding-DNA position 1657, A replaced by G.
Protein change: p.Met553Val; replaces methionine 553 with valine.
Molecular consequence: missense variant.
Genome position (GRCh38, 1-based): chr3:41,234,271, A>G. VCF-style: chr3-41234271-A-G. GRCh37 (hg19) VCF-style: chr3-41275762-A-G.
Other names: c.1657A>G, p.Met553Val (NM_001098209.2, NM_001098210.2); c.1636A>G, p.Met546Val (NM_001330729.2); short protein forms M553V, M546V.
Identifiers: ClinVar variation 1517800 (VCV001517800.6), dbSNP rs199593411, ClinGen allele CA2331133.

ClinVar aggregate classification (germline): Uncertain significance (1 of 4 stars; one submission).

Allele frequency attached by ClinVar (database versions not stated): ExAC 0.00002; gnomAD 0.00003; TOPMed 0.00003; gnomAD exomes 0.00004.
gnomAD v4.1: 19 of 1,614,064 alleles (0.0012%); highest among the groups gnomAD compares: Middle Eastern, 0.016%; no homozygotes.

Submission:

Labcorp Genetics (formerly Invitae), Labcorp
Classification: Uncertain significance. Last evaluated: 2026-01-05. Review status: criteria provided, single submitter. Criteria: Invitae Variant Classification Sherloc (09022015). Collection method: clinical testing. Allele origin: germline.
Comment: This sequence change replaces methionine, which is neutral and non-polar, with valine, which is neutral and non-polar, at codon 553 of the CTNNB1 protein (p.Met553Val). This variant is present in population databases (rs199593411, gnomAD 0.01%). This variant has not been reported in the literature in individuals affected with CTNNB1-related conditions. ClinVar contains an entry for this variant (Variation ID: 1517800). An algorithm developed to predict the effect of missense changes on protein structure and function (PolyPhen-2) suggests that this variant is likely to be tolerated. In summary, the available evidence is currently insufficient to determine the role of this variant in disease. Therefore, it has been classified as a Variant of Uncertain Significance.